The following is an entry in ClinVar:

ClinVar aggregate classification (germline): Conflicting classifications of pathogenicity. Review status: criteria provided, conflicting classifications (1 of 4 stars). 3 submissions from 3 submitters: Uncertain significance (2); Likely benign (1). Last evaluated 2026-01-21.

Conditions:
IFT56-related disorder. Also called: IFT56-related condition.

Allele frequency attached by ClinVar (database versions not stated): gnomAD exomes 0.00011; 1000 Genomes Project 0.00020; ExAC 0.00027; 1000 Genomes Project 30x 0.00031; TOPMed 0.00002; gnomAD 0.00007; ESP Exome Variant Server 0.00008.
gnomAD v4.1: 170 of 1,606,420 alleles (0.011%); highest among the groups gnomAD compares: South Asian, 0.15%; no homozygotes.

Submissions (3):

Labcorp Genetics (formerly Invitae), Labcorp
Classification: Uncertain significance. Last evaluated: 2026-01-21. Review status: criteria provided, single submitter. Criteria: Invitae Variant Classification Sherloc (09022015). Collection method: clinical testing. Allele origin: germline.
Comment: This sequence change replaces isoleucine, which is neutral and non-polar, with threonine, which is neutral and polar, at codon 554 of the TTC26 protein (p.Ile554Thr). This variant is present in population databases (rs375730344, gnomAD 0.2%). This variant has not been reported in the literature in individuals affected with TTC26-related conditions. ClinVar contains an entry for this variant (Variation ID: 3108416). An algorithm developed to predict the effect of missense changes on protein structure and function (PolyPhen-2) suggests that this variant is likely to be tolerated. In summary, the available evidence is currently insufficient to determine the role of this variant in disease. Therefore, it has been classified as a Variant of Uncertain Significance.

PreventionGenetics, part of Exact Sciences
Classification: Likely benign for IFT56-related condition. Last evaluated: 2026-01-17. Review status: criteria provided, single submitter. Criteria: ACMG Guidelines, 2015. Collection method: clinical testing. Allele origin: germline.
Comment: This variant is classified as likely benign based on ACMG/AMP sequence variant interpretation guidelines (Richards et al. 2015 PMID: 25741868, with internal and published modifications).

Ambry Genetics
Classification: Uncertain significance. Last evaluated: 2023-10-05. Review status: criteria provided, single submitter. Criteria: Ambry Variant Classification Scheme 2023. Collection method: clinical testing. Allele origin: germline.

NM_024926.4(IFT56):c.1661T>C (p.Ile554Thr)

Gene: IFT56 (intraflagellar transport 56; plus strand). Cytogenetic location: 7q34.
Variant type: single nucleotide variant.
Coding change: c.1661T>C on transcript NM_024926.4 (MANE Select); coding-DNA position 1661, T replaced by C.
Protein change: p.Ile554Thr; replaces isoleucine 554 with threonine.
Molecular consequence: missense variant. On other transcripts: 3 prime UTR variant (1).
Genome position (GRCh38, 1-based): chr7:139,189,428, T>C. VCF-style: chr7-139189428-T-C. GRCh37 (hg19) VCF-style: chr7-138874174-T-C.
Other names: c.*63T>C (NM_001144920.3); c.1568T>C, p.Ile523Thr (NM_001144923.3); c.1268T>C, p.Ile423Thr (NM_001287512.2); c.1346T>C, p.Ile449Thr (NM_001287513.2); c.1241T>C, p.Ile414Thr (NM_001318333.2); c.1631T>C, p.Ile544Thr (NM_001321740.2); c.1343T>C, p.Ile448Thr (NM_001321741.2); c.1661T>C (NM_024926.3); short protein forms I449T, I554T, I414T, I523T, I544T, I423T, I448T.
Identifiers: ClinVar variation 3108416 (VCV003108416.3), dbSNP rs375730344, ClinGen allele CA4508549.